The following is an entry in ClinVar:

NM_003242.6(TGFBR2):c.264-3T>C

Gene: TGFBR2 (transforming growth factor beta receptor 2; plus strand). Cytogenetic location: 3p24.1.
Variant type: single nucleotide variant.
Coding change: c.264-3T>C on transcript NM_003242.6 (MANE Select); 3 bases into the intron before coding-DNA position 264, T replaced by C.
Molecular consequence: intron variant.
Genome position (GRCh38, 1-based): chr3:30,650,267, T>C. VCF-style: chr3-30650267-T-C. GRCh37 (hg19) VCF-style: chr3-30691759-T-C.
Other names: c.159-3T>C (NM_001407129.1, NM_001407132.1, NM_001407136.1 and 3 more transcripts); c.339-3T>C (NM_001407126.1, NM_001024847.3, NM_001407139.1); c.170-21371T>C (NM_001407137.1); c.264-3T>C (NM_001407127.1, NM_001407130.1); c.95-21371T>C (NM_001407138.1); c.291-3T>C (NM_001407128.1).
Identifiers: ClinVar variation 3386059 (VCV003386059.1).

ClinVar aggregate classification (germline): Likely benign (1 of 4 stars; one submission).

Conditions:
Loeys-Dietz syndrome 2 (LDS2). Also called: TGFBR2-Related Loeys-Dietz Syndrome; AORTIC ANEURYSM, FAMILIAL THORACIC 3; MARFAN SYNDROME, TYPE II; Marfan syndrome, type 2 (formerly); Marfan Syndrome type 2; Marfan like connective tissue disorder. Identifiers: Orphanet 284973, Orphanet 558, MedGen C2674574, MONDO:0012427, OMIM 610168.

gnomAD v4.1: 1 of 1,613,784 alleles (0.000062%); highest among the groups gnomAD compares: Non-Finnish European, 0.000085%; no homozygotes.

Submission:

All of Us Research Program, National Institutes of Health
Classification: Likely benign for Loeys-Dietz syndrome 2. Last evaluated: 2024-03-14. Review status: criteria provided, single submitter. Criteria: ACMG Guidelines, 2015. Collection method: clinical testing. Allele origin: germline. Inheritance: Autosomal dominant inheritance. Observed: 1 variant allele, 1 heterozygote.
Comment: This study involves interpretation of variants in research participants for the purpose of population health screening. Participant phenotype was not available at the time of variant classification. Additional details can be found in publication PMID: 35346344, PMCID: PMC8962531